The following is an entry in ClinVar:

ClinVar aggregate classification (germline): Likely benign (0 of 4 stars; one submission).

Conditions:
ZFR-related disorder. Also called: ZFR-related condition.

gnomAD v4.1: 2 of 1,613,856 alleles (0.00012%); highest among the groups gnomAD compares: African/African-American, 0.0013%; no homozygotes.

Submission:

PreventionGenetics, part of Exact Sciences
Classification: Likely benign for ZFR-related condition. Last evaluated: 2019-07-29. Review status: no assertion criteria provided. Collection method: clinical testing. Allele origin: germline.
Comment: This variant is classified as likely benign based on ACMG/AMP sequence variant interpretation guidelines (Richards et al. 2015 PMID: 25741868, with internal and published modifications).

NM_016107.5(ZFR):c.615G>A (p.Gln205=)

Gene: ZFR (zinc finger RNA binding protein; minus strand). Cytogenetic location: 5p13.3.
Variant type: single nucleotide variant.
Coding change: c.615G>A on transcript NM_016107.5 (MANE Select); coding-DNA position 615, G replaced by A.
Protein change: p.Gln205=; no amino-acid change (glutamine 205 retained).
Molecular consequence: synonymous variant. On other transcripts: non-coding transcript variant (1).
Genome position (GRCh38, 1-based): chr5:32,415,138, C>T on the plus strand (G>A on the coding strand, the complement: ZFR is on the minus strand). VCF-style: chr5-32415138-C-T. GRCh37 (hg19) VCF-style: chr5-32415243-C-T.
Identifiers: ClinVar variation 3358121 (VCV003358121.1).